The following is an entry in ClinVar:

ClinVar aggregate classification (germline): Uncertain significance (1 of 4 stars; one submission).

Conditions:
Cardiovascular phenotype. Identifiers: MedGen CN230736.

gnomAD v4.1: 1 of 1,612,774 alleles (0.000062%); highest among the groups gnomAD compares: Non-Finnish European, 0.000085%; no homozygotes.

Submission:

Ambry Genetics
Classification: Uncertain significance for Cardiovascular phenotype. Last evaluated: 2025-05-03. Review status: criteria provided, single submitter. Criteria: Ambry Variant Classification Scheme 2023. Collection method: clinical testing. Allele origin: germline.
Comment: The p.S2923C variant (also known as c.8768C>G), located in coding exon 24 of the TNXB gene, results from a C to G substitution at nucleotide position 8768. The serine at codon 2923 is replaced by cysteine, an amino acid with dissimilar properties. This amino acid position is conserved. In addition, this alteration is predicted to be tolerated by in silico analysis. Based on the available evidence, the clinical significance of this variant remains unclear.

NM_001365276.2(TNXB):c.8774C>G (p.Ser2925Cys)

Gene: TNXB (tenascin XB; minus strand). Cytogenetic location: 6p21.33.
Variant type: single nucleotide variant.
Coding change: c.8774C>G on transcript NM_001365276.2 (MANE Select); coding-DNA position 8774, C replaced by G.
Protein change: p.Ser2925Cys; replaces serine 2925 with cysteine.
Molecular consequence: missense variant.
Genome position (GRCh38, 1-based): chr6:32,053,405, G>C on the plus strand (C>G on the coding strand, the complement: TNXB is on the minus strand). VCF-style: chr6-32053405-G-C. GRCh37 (hg19) VCF-style: chr6-32021182-G-C.
Other names: c.9515C>G, p.Ser3172Cys (NM_001428335.1); c.8768C>G, p.Ser2923Cys (NM_019105.8); short protein forms S2925C, S3172C, S2923C.
Identifiers: ClinVar variation 3972013 (VCV003972013.1).